The following is an entry in ClinVar:

NM_012330.4(KAT6B):c.5317G>A (p.Ala1773Thr)

Gene: KAT6B (lysine acetyltransferase 6B; plus strand). Cytogenetic location: 10q22.2.
Variant type: single nucleotide variant.
Coding change: c.5317G>A on transcript NM_012330.4 (MANE Select); coding-DNA position 5317, G replaced by A.
Protein change: p.Ala1773Thr; replaces alanine 1773 with threonine.
Molecular consequence: missense variant.
Genome position (GRCh38, 1-based): chr10:75,030,141, G>A. VCF-style: chr10-75030141-G-A. GRCh37 (hg19) VCF-style: chr10-76789899-G-A.
Other names: c.4768G>A, p.Ala1590Thr (NM_001256468.2, NM_001370138.1); c.4441G>A, p.Ala1481Thr (NM_001256469.2, NM_001370139.1, NM_001370140.1 and 2 more transcripts); c.4279G>A, p.Ala1427Thr (NM_001370132.1); c.3628G>A, p.Ala1210Thr (NM_001370133.1); c.3232G>A, p.Ala1078Thr (NM_001370134.1); c.2974G>A, p.Ala992Thr (NM_001370135.1); c.5317G>A, p.Ala1773Thr (NM_001370136.1, NM_001370137.1); c.4252G>A, p.Ala1418Thr (NM_001370143.1, NM_001370144.1); short protein forms A992T, A1078T, A1210T, A1481T, A1418T, A1427T, A1590T, A1773T.
Identifiers: ClinVar variation 3709859 (VCV003709859.2).
Genomic context (GRCh38, chr10:75,030,141, plus strand): 5'-GGCTGTGTGGTGGAGAGGCCTCCGAGCAGCAGCCAGCAGCTGGCTCAGTGCAGCATGGCT[G>A]CTAACTTCACCCCACCCATGCAGCTGGCTGAAATCCCCGAGACGAGCAACGCCAACATTG-3'
Protein context (NP_036462.2, residues 1763-1783): SQQLAQCSMA[Ala1773Thr]NFTPPMQLAE

ClinVar aggregate classification (germline): Uncertain significance (1 of 4 stars; one submission).

Conditions:
Genitopatellar syndrome (GTPTS). Also called: ABSENT PATELLAE, SCROTAL HYPOPLASIA, RENAL ANOMALIES, FACIAL DYSMORPHISM, AND MENTAL RETARDATION; Genitopatellar syndrome (GPS). Identifiers: Orphanet 85201, MedGen C1853566, MONDO:0011640, OMIM 606170.

gnomAD v4.1: 3 of 1,614,126 alleles (0.00019%); highest among the groups gnomAD compares: Admixed American, 0.005%; no homozygotes.

Submission:

Labcorp Genetics (formerly Invitae), Labcorp
Classification: Uncertain significance for Genitopatellar syndrome. Last evaluated: 2025-12-11. Review status: criteria provided, single submitter. Criteria: Invitae Variant Classification Sherloc (09022015). Collection method: clinical testing. Allele origin: germline.
Comment: This sequence change replaces alanine, which is neutral and non-polar, with threonine, which is neutral and polar, at codon 1773 of the KAT6B protein (p.Ala1773Thr). This variant is present in population databases (no rsID available, gnomAD 0.006%). This variant has not been reported in the literature in individuals affected with KAT6B-related conditions. ClinVar contains an entry for this variant (Variation ID: 3709859). Invitae Evidence Modeling of protein sequence and biophysical properties (such as structural, functional, and spatial information, amino acid conservation, physicochemical variation, residue mobility, and thermodynamic stability) indicates that this missense variant is not expected to disrupt KAT6B protein function with a negative predictive value of 80%. In summary, the available evidence is currently insufficient to determine the role of this variant in disease. Therefore, it has been classified as a Variant of Uncertain Significance.